The following is an entry in ClinVar:

NM_001848.3(COL6A1):c.1003-61T>G

Gene: COL6A1 (collagen type VI alpha 1 chain; plus strand). Cytogenetic location: 21q22.3.
Variant type: single nucleotide variant.
Coding change: c.1003-61T>G on transcript NM_001848.3 (MANE Select); 61 bases into the intron before coding-DNA position 1003, T replaced by G.
Molecular consequence: intron variant.
Genome position (GRCh38, 1-based): chr21:45,990,712, T>G. VCF-style: chr21-45990712-T-G. GRCh37 (hg19) VCF-style: chr21-47410626-T-G.
Other names: NC_000021.8:g.47410626T>G.
Identifiers: ClinVar variation 679180 (VCV000679180.3), dbSNP rs1980981, ClinGen allele CA321964855.

ClinVar aggregate classification (germline): Benign. Review status: criteria provided, multiple submitters, no conflicts (2 of 4 stars). 2 submissions from 2 submitters: Benign (2). Last evaluated 2018-06-14.

Allele frequency attached by ClinVar (database versions not stated): ESP Exome Variant Server 0.99058; gnomAD 0.99242 and 0.99252; TOPMed 0.99379; 1000 Genomes Project 0.99641; 1000 Genomes Project 30x 0.99641.
gnomAD v4.1: 1,451,521 of 1,465,988 alleles (99%); highest among the groups gnomAD compares: East Asian, 100%; 718,622 homozygotes.

Submissions (4):

GeneDx
Classification: Benign. Last evaluated: 2018-06-14. Review status: criteria provided, single submitter. Criteria: GeneDx Variant Classification (06012015). Collection method: clinical testing. Allele origin: germline. Affected: yes.
Comment: This variant is considered likely benign or benign based on one or more of the following criteria: it is a conservative change, it occurs at a poorly conserved position in the protein, it is predicted to be benign by multiple in silico algorithms, and/or has population frequency not consistent with disease.

Breakthrough Genomics
Classification: Benign. Review status: criteria provided, single submitter. Criteria: ACMG Guidelines, 2015. Collection method: not provided. Allele origin: germline. Inheritance: Autosomal recessive inheritance. Affected: yes.

Dr. Peter K. Rogan Lab, Western University
No classification provided (evidence only). Condition: Familial cancer of breast. Review status: no classification provided. Collection method: in vitro. Allele origin: not applicable. Functional consequence: retained intron. Not counted in ClinVar's aggregate classification.

Dr. Peter K. Rogan Lab, Western University
No classification provided (evidence only). Condition: Hepatocellular carcinoma. Review status: no classification provided. Collection method: in vitro. Allele origin: not applicable. Functional consequence: retained intron. Not counted in ClinVar's aggregate classification.